The following is an entry in ClinVar:

ClinVar aggregate classification (germline): Uncertain significance (1 of 4 stars; one submission).

Conditions:
Cataract 1 multiple types. Also called: CATARACT, DUFFY-LINKED; CATARACT 1, POSTERIOR SUBCAPSULAR, WITH MICROCORNEA; CATARACT 1, STELLATE NUCLEAR, WITH MICROCORNEA; CATARACT 1, MULTIPLE TYPES, WITH OR WITHOUT MICROCORNEA; CATARACT 1, NUCLEAR PROGRESSIVE; CATARACT 1 WITH MICROCORNEA. Identifiers: Orphanet 1377, MedGen C1861828, MONDO:0007285, OMIM 116200.

Submission:

Dept. Genetics and Cancer, Menzies Institute for Medical Research, University of Tasmania
Classification: Uncertain significance for Cataract 1 multiple types. Last evaluated: 2023-01-21. Review status: criteria provided, single submitter. Criteria: ACMG Guidelines, 2015. Collection method: curation. Allele origin: germline. Affected: no.
Comment: Variant identified and curated during a GJA8 specific review of the literature in relation to pediatric or congenital cataract. ACMG-AMP criteria applied: PM2(Supporting), PP3. Original variant report: PMID:29464339. Proband reported with this variant has no lenses, microphthalmia, coloboma, glaucoma, congenital aphakia, sclerocornea. Gene review and curation guidelines are outlined in: DOI 10.1080/17469899.2023.2160320

Literature cited by the submitters: PubMed 29464339.

NM_005267.5(GJA8):c.280G>A (p.Gly94Arg)

Gene: GJA8 (gap junction protein alpha 8; plus strand). Cytogenetic location: 1q21.2.
Variant type: single nucleotide variant.
Coding change: c.280G>A on transcript NM_005267.5 (MANE Select); coding-DNA position 280, G replaced by A.
Protein change: p.Gly94Arg; replaces glycine 94 with arginine.
Molecular consequence: missense variant.
Genome position (GRCh38, 1-based): chr1:147,908,235, G>A. VCF-style: chr1-147908235-G-A. GRCh37 (hg19) VCF-style: chr1-147380362-G-A.
Other names: short protein forms G94R.
Identifiers: ClinVar variation 3253658 (VCV003253658.1), dbSNP rs1651887395.